The following is an entry in ClinVar:

NM_130797.4(DPP6):c.161G>A (p.Arg54Gln)

Gene: DPP6 (dipeptidyl peptidase like 6; plus strand). Cytogenetic location: 7q36.2.
Variant type: single nucleotide variant.
Coding change: c.161G>A on transcript NM_130797.4 (MANE Select); coding-DNA position 161, G replaced by A.
Protein change: p.Arg54Gln; replaces arginine 54 with glutamine.
Molecular consequence: missense variant. On other transcripts: intron variant (6).
Genome position (GRCh38, 1-based): chr7:154,052,981, G>A. VCF-style: chr7-154052981-G-A. GRCh37 (hg19) VCF-style: chr7-153750066-G-A.
Other names: c.161G>A, p.Arg54Gln (NM_001290253.2); c.60+303973G>A (NM_001364500.2, NM_001364499.2, NM_001364497.2 and 1 more transcripts); c.51+165247G>A (NM_001364501.2, NM_001039350.3); short protein forms R54Q.
Identifiers: ClinVar variation 4885055 (VCV004885055.2).

ClinVar aggregate classification (germline): Uncertain significance (1 of 4 stars; one submission).

gnomAD v4.1: 4 of 1,097,452 alleles (0.00036%); highest among the groups gnomAD compares: Admixed American, 0.0053%; no homozygotes.

Submission:

Dasa
Classification: Uncertain significance. Last evaluated: 2025-04-30. Review status: criteria provided, single submitter. Criteria: DASA Assertion Criteria. Collection method: clinical testing. Allele origin: germline.
Comment: NM_130797.4(DPP6):c.161G>A (p.Arg54Gln) is a missense variant that results in the substitution of arginine with glutamine. This variant is rare in population databases. Computational prediction algorithms are consistent with a benign effect. The currently available literature and clinical evidence are not sufficient to establish a definitive association between this variant and the reported condition. Therefore, this variant is classified as a variant of uncertain significance.